The following is an entry in ClinVar:

ClinVar aggregate classification (germline): Benign. Review status: criteria provided, multiple submitters, no conflicts (2 of 4 stars). 3 submissions from 3 submitters: Benign (2). 1 of the submissions does not count toward it. Last evaluated 2019-12-31.

Conditions:
SRPK2-related disorder. Also called: SRPK2-related condition.

Allele frequency attached by ClinVar (database versions not stated): ESP Exome Variant Server 0.00015; gnomAD 0.00191 and 0.00307; gnomAD exomes 0.00260 and 0.00695; TOPMed 0.00306; ExAC 0.00990; 1000 Genomes Project 30x 0.01624; 1000 Genomes Project 0.01837.
gnomAD v4.1: 4,530 of 1,579,058 alleles (0.29%); highest among the groups gnomAD compares: East Asian, 6.2%; 130 homozygotes.

Submissions (20):

Labcorp Genetics (formerly Invitae), Labcorp
Classification: Benign. Last evaluated: 2019-12-31. Review status: criteria provided, single submitter. Criteria: Invitae Variant Classification Sherloc (09022015). Collection method: clinical testing. Allele origin: germline.

Breakthrough Genomics
Classification: Benign. Review status: criteria provided, single submitter. Criteria: ACMG Guidelines, 2015. Collection method: not provided. Allele origin: germline. Inheritance: Unknown mechanism. Affected: yes.

PreventionGenetics, part of Exact Sciences
Classification: Benign for SRPK2-related condition. Last evaluated: 2020-01-13. Review status: no assertion criteria provided. Collection method: clinical testing. Allele origin: germline. Not counted in ClinVar's aggregate classification.
Comment: This variant is classified as benign based on ACMG/AMP sequence variant interpretation guidelines (Richards et al. 2015 PMID: 25741868, with internal and published modifications).

Dr. Peter K. Rogan Lab, Western University
No classification provided (evidence only). Condition: Uterine corpus endometrial carcinoma. Review status: no classification provided. Collection method: in vitro. Allele origin: not applicable. Functional consequence: retained intron. Not counted in ClinVar's aggregate classification.

Dr. Peter K. Rogan Lab, Western University
No classification provided (evidence only). Condition: Hepatocellular carcinoma. Review status: no classification provided. Collection method: in vitro. Allele origin: not applicable. Functional consequence: retained intron. Not counted in ClinVar's aggregate classification.

Dr. Peter K. Rogan Lab, Western University
No classification provided (evidence only). Condition: Hepatocellular carcinoma. Review status: no classification provided. Collection method: in vitro. Allele origin: not applicable. Functional consequence: retained intron. Not counted in ClinVar's aggregate classification.

Dr. Peter K. Rogan Lab, Western University
No classification provided (evidence only). Condition: Hepatocellular carcinoma. Review status: no classification provided. Collection method: in vitro. Allele origin: not applicable. Functional consequence: retained intron. Not counted in ClinVar's aggregate classification.

Dr. Peter K. Rogan Lab, Western University
No classification provided (evidence only). Condition: Hepatocellular carcinoma. Review status: no classification provided. Collection method: in vitro. Allele origin: not applicable. Functional consequence: retained intron. Not counted in ClinVar's aggregate classification.

Dr. Peter K. Rogan Lab, Western University
No classification provided (evidence only). Condition: Gastric cancer. Review status: no classification provided. Collection method: in vitro. Allele origin: not applicable. Functional consequence: retained intron. Not counted in ClinVar's aggregate classification.

Dr. Peter K. Rogan Lab, Western University
No classification provided (evidence only). Condition: Gastric cancer. Review status: no classification provided. Collection method: in vitro. Allele origin: not applicable. Functional consequence: retained intron. Not counted in ClinVar's aggregate classification.

Dr. Peter K. Rogan Lab, Western University
No classification provided (evidence only). Condition: Gastric cancer. Review status: no classification provided. Collection method: in vitro. Allele origin: not applicable. Functional consequence: retained intron. Not counted in ClinVar's aggregate classification.

Dr. Peter K. Rogan Lab, Western University
No classification provided (evidence only). Condition: Gastric cancer. Review status: no classification provided. Collection method: in vitro. Allele origin: not applicable. Functional consequence: retained intron. Not counted in ClinVar's aggregate classification.

Dr. Peter K. Rogan Lab, Western University
No classification provided (evidence only). Condition: Gastric cancer. Review status: no classification provided. Collection method: in vitro. Allele origin: not applicable. Functional consequence: retained intron. Not counted in ClinVar's aggregate classification.

Dr. Peter K. Rogan Lab, Western University
No classification provided (evidence only). Condition: Uterine carcinosarcoma. Review status: no classification provided. Collection method: in vitro. Allele origin: not applicable. Functional consequence: retained intron. Not counted in ClinVar's aggregate classification.

Dr. Peter K. Rogan Lab, Western University
No classification provided (evidence only). Condition: Malignant tumor of esophagus. Review status: no classification provided. Collection method: in vitro. Allele origin: not applicable. Functional consequence: retained intron. Not counted in ClinVar's aggregate classification.

Dr. Peter K. Rogan Lab, Western University
No classification provided (evidence only). Condition: Malignant tumor of esophagus. Review status: no classification provided. Collection method: in vitro. Allele origin: not applicable. Functional consequence: retained intron. Not counted in ClinVar's aggregate classification.

Dr. Peter K. Rogan Lab, Western University
No classification provided (evidence only). Condition: Malignant tumor of esophagus. Review status: no classification provided. Collection method: in vitro. Allele origin: not applicable. Functional consequence: retained intron. Not counted in ClinVar's aggregate classification.

Dr. Peter K. Rogan Lab, Western University
No classification provided (evidence only). Condition: Malignant tumor of esophagus. Review status: no classification provided. Collection method: in vitro. Allele origin: not applicable. Functional consequence: retained intron. Not counted in ClinVar's aggregate classification.

Dr. Peter K. Rogan Lab, Western University
No classification provided (evidence only). Condition: Malignant tumor of esophagus. Review status: no classification provided. Collection method: in vitro. Allele origin: not applicable. Functional consequence: retained intron. Not counted in ClinVar's aggregate classification.

Dr. Peter K. Rogan Lab, Western University
No classification provided (evidence only). Condition: Malignant tumor of esophagus. Review status: no classification provided. Collection method: in vitro. Allele origin: not applicable. Functional consequence: retained intron. Not counted in ClinVar's aggregate classification.

NM_182692.3(SRPK2):c.75G>A (p.Pro25=)

Gene: SRPK2 (SRSF protein kinase 2; minus strand). Cytogenetic location: 7q22.3.
Variant type: single nucleotide variant.
Coding change: c.75G>A on transcript NM_182692.3 (MANE Select); coding-DNA position 75, G replaced by A.
Protein change: p.Pro25=; no amino-acid change (proline 25 retained).
Molecular consequence: synonymous variant.
Genome position (GRCh38, 1-based): chr7:105,203,782, C>T on the plus strand (G>A on the coding strand, the complement: SRPK2 is on the minus strand). VCF-style: chr7-105203782-C-T. GRCh37 (hg19) VCF-style: chr7-104844229-C-T.
Other names: NC_000007.13:g.104844229C>T; c.42G>A, p.Pro14= (NM_001278273.2, NM_001350738.2, NM_001350739.2 and 4 more transcripts); c.186G>A, p.Pro62= (NM_001350740.2); c.75G>A, p.Pro25= (NM_001350741.2); c.153G>A, p.Pro51= (NM_001350742.2, NM_001350746.2).
Identifiers: ClinVar variation 782848 (VCV000782848.8), dbSNP rs56318802, ClinGen allele CA4425558.
Genomic context (GRCh38, chr7:105,203,782, plus strand): 5'-CGGTGGTGGTGGTGGTGGCGGTGGAGGAGGAGGAACTAAAGGAGCTTTCTGTTGAGGCTC[C>T]GGCCTGAAAGAGCAGAGAGAAAATTGCTATTTACTTAGAAGTACATCTTGCATTATGGAT-3'
Protein context (NP_872634.1, residues 15-35): RPKREKHPKK[Pro25=]EPQQKAPLVP